The following is an entry in ClinVar:

NM_134261.3(RORA):c.974_975delinsAA (p.Ile325Lys)

Genes: RORA (RAR related orphan receptor A; minus strand), RORA-AS1 (RORA antisense RNA 1; plus strand). Cytogenetic location: 15q22.2.
Variant type: Indel.
Coding change: c.974_975delinsAA on transcript NM_134261.3 (MANE Select); coding-DNA positions 974 to 975, TC replaced by AA.
Protein change: p.Ile325Lys; replaces isoleucine 325 with lysine.
Molecular consequence: missense variant.
Genome position (GRCh38, 1-based): chr15:60,503,635-60,503,636, GA replaced by TT on the plus strand (TC replaced by AA on the coding strand, the reverse complement: RORA is on the minus strand). VCF-style: chr15-60503635-GA-TT. GRCh37 (hg19) VCF-style: chr15-60795834-GA-TT.
Other names: c.1049_1050delinsAA, p.Ile350Lys (NM_002943.4); c.1073_1074delinsAA, p.Ile358Lys (NM_134260.3); c.809_810delinsAA, p.Ile270Lys (NM_134262.3); short protein forms I270K, I325K, I350K, I358K.
Identifiers: ClinVar variation 3066132 (VCV003066132.1), dbSNP rs2541995284, ClinGen allele CA2740098061.

ClinVar aggregate classification (germline): Uncertain significance (1 of 4 stars; one submission).

Conditions:
Intellectual developmental disorder with or without epilepsy or cerebellar ataxia. Identifiers: MedGen C4748041, MONDO:0060745, OMIM 618060.

Submission:

MVZ Medizinische Genetik Mainz
Classification: Uncertain significance for Intellectual developmental disorder with or without epilepsy or cerebellar ataxia. Last evaluated: 2023-07-04. Review status: criteria provided, single submitter. Criteria: UK Practice Guidelines For Variant Classification V4 01 2020. Collection method: clinical testing. Allele origin: germline. Inheritance: Autosomal dominant inheritance. Affected: yes. Observed: 1 variant allele.
Comment: ACMG Criteria: PM2_SUP,PP3